The following is an entry in ClinVar:

NM_001330360.2(POLA1):c.3236A>C (p.Glu1079Ala)

Gene: POLA1 (DNA polymerase alpha 1, catalytic subunit; plus strand). Cytogenetic location: Xp22.11.
Variant type: single nucleotide variant.
Coding change: c.3236A>C on transcript NM_001330360.2 (MANE Select); coding-DNA position 3236, A replaced by C.
Protein change: p.Glu1079Ala; replaces glutamic acid 1079 with alanine.
Molecular consequence: missense variant. On other transcripts: non-coding transcript variant (2).
Genome position (GRCh38, 1-based): chrX:24,812,803, A>C. VCF-style: chrX-24812803-A-C. GRCh37 (hg19) VCF-style: chrX-24830920-A-C.
Other names: c.3161A>C, p.Glu1054Ala (NM_001378303.1); c.3218A>C, p.Glu1073Ala (NM_016937.4); short protein forms E1054A, E1073A, E1079A.
Identifiers: ClinVar variation 3906817 (VCV003906817.1).

ClinVar aggregate classification (germline): Uncertain significance (1 of 4 stars; one submission).

gnomAD v4.1: 4 of 1,203,637 alleles (0.00033%); highest among the groups gnomAD compares: African/African-American, 0.0018%; no homozygotes.

Submission:

GeneDx
Classification: Uncertain significance. Last evaluated: 2024-12-19. Review status: criteria provided, single submitter. Criteria: GeneDx Variant Classification Process June 2021. Collection method: clinical testing. Allele origin: germline. Affected: yes.
Comment: In silico analysis supports that this missense variant has a deleterious effect on protein structure/function; Has not been previously published as pathogenic or benign to our knowledge; Not observed at significant frequency in large population cohorts (gnomAD)